The following is an entry in ClinVar:

NM_000368.5(TSC1):c.1117T>C (p.Tyr373His)

Gene: TSC1 (TSC complex subunit 1; minus strand). Cytogenetic location: 9q34.13.
Variant type: single nucleotide variant.
Coding change: c.1117T>C on transcript NM_000368.5 (MANE Select); coding-DNA position 1117, T replaced by C.
Protein change: p.Tyr373His; replaces tyrosine 373 with histidine.
Molecular consequence: missense variant. On other transcripts: non-coding transcript variant (5).
Genome position (GRCh38, 1-based): chr9:132,911,026, A>G on the plus strand (T>C on the coding strand, the complement: TSC1 is on the minus strand). VCF-style: chr9-132911026-A-G. GRCh37 (hg19) VCF-style: chr9-135786413-A-G.
Other names: c.1117T>C, p.Tyr373His (NM_001162426.2, NM_001406592.1, NM_001406593.1 and 16 more transcripts); c.964T>C, p.Tyr322His (NM_001162427.2, NM_001406610.1, NM_001406611.1 and 2 more transcripts); c.754T>C, p.Tyr252His (NM_001362177.2, NM_001406614.1, NM_001406615.1 and 10 more transcripts); c.166T>C, p.Tyr56His (NM_001406626.1, NM_001406627.1, NM_001406628.1); c.67T>C, p.Tyr23His (NM_001406629.1, NM_001406630.1); short protein forms Y252H, Y322H, Y23H, Y373H, Y56H.
Identifiers: ClinVar variation 3462459 (VCV003462459.1).
Genomic context (GRCh38, chr9:132,911,026, plus strand): 5'-AACCAACTAATCAAATCCAACCTAAGACATACATACCAGTTGTACCAAAGACTTTACTGT[A>G]AGGGTGTGACAGATCAGGTGGGACATTTCCAGGAGAAGTTGGAGGAGTGGTCATACCACA-3'
Protein context (NP_000359.1, residues 363-383): GNVPPDLSHP[Tyr373His]SKVFGTTAGG

ClinVar aggregate classification (germline): Uncertain significance (1 of 4 stars; one submission).

Conditions:
Hereditary cancer-predisposing syndrome. Also called: Tumor predisposition; Neoplastic Syndromes, Hereditary; Hereditary neoplastic syndrome; Hereditary Cancer Syndrome. Identifiers: Orphanet 140162, MedGen C0027672, MeSH D009386, MONDO:0015356.

Submission:

Ambry Genetics
Classification: Uncertain significance for Hereditary cancer-predisposing syndrome. Last evaluated: 2024-07-31. Review status: criteria provided, single submitter. Criteria: Ambry Variant Classification Scheme 2023. Collection method: clinical testing. Allele origin: germline.
Comment: The p.Y373H variant (also known as c.1117T>C), located in coding exon 9 of the TSC1 gene, results from a T to C substitution at nucleotide position 1117. The tyrosine at codon 373 is replaced by histidine, an amino acid with similar properties. This amino acid position is conserved. In addition, this alteration is predicted to be tolerated by in silico analysis. Based on the available evidence, the clinical significance of this variant remains unclear.